The following is an entry in ClinVar:

NM_003322.6(TULP1):c.1258C>T (p.Arg420Cys)

Gene: TULP1 (TUB like protein 1; minus strand). Cytogenetic location: 6p21.31.
Variant type: single nucleotide variant.
Coding change: c.1258C>T on transcript NM_003322.6 (MANE Select); coding-DNA position 1258, C replaced by T.
Protein change: p.Arg420Cys; replaces arginine 420 with cysteine.
Molecular consequence: missense variant.
Genome position (GRCh38, 1-based): chr6:35,503,624, G>A on the plus strand (C>T on the coding strand, the complement: TULP1 is on the minus strand). VCF-style: chr6-35503624-G-A. GRCh37 (hg19) VCF-style: chr6-35471401-G-A.
Other names: c.1099C>T, p.Arg367Cys (NM_001289395.2); short protein forms R367C, R420C.
Identifiers: ClinVar variation 930507 (VCV000930507.4), dbSNP rs551519696, ClinGen allele CA3772610.
Genomic context (GRCh38, chr6:35,503,624, plus strand): 5'-GGGGCCGGATGGGGACCCTCTCGTTCTCCGCACTCATGCCAGGAATGATGACGGTCATGC[G>A]CCGGGGGCCACGGAAGCCCAGCACGTTGGTTTCCTGGGAAGGAAACAGATGCCTGTGAGG-3'
Protein context (NP_003313.3, residues 410-430): TNVLGFRGPR[Arg420Cys]MTVIIPGMSA

ClinVar aggregate classification (germline): Likely pathogenic. Review status: criteria provided, multiple submitters, no conflicts (2 of 4 stars). 2 submissions from 2 submitters: Likely pathogenic (2). Last evaluated 2026-09-22.

Conditions:
Leber congenital amaurosis 15 (LCA15). Identifiers: Orphanet 65, MedGen C3151206, MONDO:0013457, OMIM 613843.

Allele frequency attached by ClinVar (database versions not stated): ExAC 0.00002; TOPMed 0.00001.
gnomAD v4.1: 11 of 1,599,190 alleles (0.00069%); highest among the groups gnomAD compares: Non-Finnish European, 0.00094%; 1 homozygote.

Submissions (2):

Suma Genomics
Classification: Likely pathogenic for Leber congenital amaurosis 15. Last evaluated: 2026-09-22. Review status: criteria provided, single submitter. Criteria: ACMG Guidelines, 2015. Collection method: clinical testing. Allele origin: germline. Inheritance: Autosomal recessive inheritance. Affected: yes. Observed: 1 variant allele, 1 homozygote.
Comment: This variant is observed in 11 individuals in heterozygous state and 1 individual in homozygous state in the gnomAD database. In-silico analysis tool REVEL is consistent in predicting this variant to be disease-causing. ACMG classification: Likely pathogenic Criteria met: PM2_Supporting: Extremely low frequency in gnomAD population databases PM3_Supporting: For recessive disorders, detected in trans with a pathogenic variant, or in a homozygous or compound heterozygous state in affected cases PM5: Different amino acid change as a known pathogenic variant PP3_Moderate: For a missense variant, computational prediction tools unanimously support a deleterious effect on the gene PP1: cosegregation

Centre for Mendelian Genomics, University Medical Centre Ljubljana
Classification: Likely pathogenic for Leber congenital amaurosis 15. Last evaluated: 2019-06-01. Review status: criteria provided, single submitter. Criteria: ACMG Guidelines, 2015. Collection method: clinical testing. Allele origin: unknown. Affected: yes.
Comment: This variant was classified as: Likely pathogenic. The following ACMG criteria were applied in classifying this variant: PS1,PM2,PP3.